The following is an entry in ClinVar:

ClinVar aggregate classification (germline): Pathogenic. Review status: criteria provided, multiple submitters, no conflicts (2 of 4 stars). 11 submissions from 10 submitters: Pathogenic (8). 3 of the submissions do not count toward it. Last evaluated 2026-03-01.

Conditions:
Retinal dystrophy with or without macular staphyloma. Identifiers: Orphanet 653709, MedGen C4479651, MONDO:0060507, OMIM 617547.
Axial spondylometaphyseal dysplasia. Also called: AXIAL SMD. Identifiers: Orphanet 168549, MedGen C1865695, MONDO:0011211, OMIM 602271.
C21ORF2 & CFAP410-related disorders.
CFAP410-related disorder. Also called: CFAP410-related condition.
Retinitis pigmentosa (RP). Identifiers: Orphanet 791, MedGen C0035334, MeSH D012174, MONDO:0019200, OMIM 268000. Inheritance: Autosomal dominant, autosomal recessive and X linked inheritance.
Retinal dystrophy. Also called: Inherited retinal dystrophy. Identifiers: Orphanet 71862, MedGen C0854723, MeSH D058499, MONDO:0019118, HP:0000556.

Allele frequency attached by ClinVar (database versions not stated): ExAC below 0.00001; gnomAD exomes 0.00004 and 0.00008; TOPMed 0.00005; gnomAD 0.00008.

Submissions (11):

PreventionGenetics, part of Exact Sciences
Classification: Pathogenic for CFAP410-related condition. Last evaluated: 2026-03-01. Review status: criteria provided, single submitter. Criteria: ACMG Guidelines, 2015. Collection method: clinical testing. Allele origin: germline.
Comment: The CFAP410 c.33_34insAGCTGCACAGCGTGCA variant is predicted to result in a frameshift and premature protein termination (p.Ala12Serfs*60). This variant has been reported in individuals with retinitis pigmentosa (see for examples: supplementary data, Carss et al. 2016. PubMed ID: 28041643; Areblom et al. 2023. PubMed ID: 37510321; Table S1, Lin et al. 2024. PubMed ID: 38219857). This variant is reported in 0.017% of alleles in individuals of European (Finnish) descent in gnomAD. Frameshift variants in CFAP410 are an established mechanism of disease. This variant is interpreted as pathogenic.

Laboratory of Functional Genomics, Research Centre for Medical Genetics
Classification: Pathogenic for Axial spondylometaphyseal dysplasia. Last evaluated: 2026-02-18. Review status: criteria provided, single submitter. Criteria: ACMG Guidelines, 2015. Collection method: clinical testing. Allele origin: germline. Inheritance: Autosomal recessive inheritance. Affected: yes.
Comment: The insertion creates a frameshift with a premature termination codon early in the protein (p.Ala12SerfsTer60), predicted to trigger nonsense‑mediated decay (NMD). Allelic imbalance analysis at the c.218G>C locus demonstrated reduced expression of the c.33_34ins16 allele, independently supporting NMD of the mutant transcript.

Labcorp Genetics (formerly Invitae), Labcorp
Classification: Pathogenic. Last evaluated: 2025-06-02. Review status: criteria provided, single submitter. Criteria: Invitae Variant Classification Sherloc (09022015). Collection method: clinical testing. Allele origin: germline.
Comment: This sequence change creates a premature translational stop signal (p.Ala12Serfs*60) in the CFAP410 gene. It is expected to result in an absent or disrupted protein product. Loss-of-function variants in CFAP410 are known to be pathogenic (PMID: 23105016, 26167768). This variant is present in population databases (rs748531024, gnomAD 0.02%). This premature translational stop signal has been observed in individuals with retinal dystrophy (PMID: 28041643). ClinVar contains an entry for this variant (Variation ID: 438159). For these reasons, this variant has been classified as Pathogenic.

CeGaT Center for Human Genetics Tuebingen
Classification: Pathogenic. Last evaluated: 2024-02-01. Review status: criteria provided, single submitter. Criteria: CeGaT Center For Human Genetics Tuebingen Variant Classification Criteria Version 2. Collection method: clinical testing. Allele origin: germline. Affected: yes. Observed: 2 variant alleles.
Comment: CFAP410: PVS1, PM2

Blueprint Genetics
Classification: Pathogenic for C21ORF2 & CFAP410-related disorders. Last evaluated: 2023-09-18. Review status: criteria provided, single submitter. Criteria: ACMG Guidelines, 2015. Collection method: clinical testing. Allele origin: germline. Affected: yes. Observed: 5 variant alleles.

Ophthalmic Genetics Group, Institute of Molecular and Clinical Ophthalmology Basel
Classification: Pathogenic for Retinitis pigmentosa. Last evaluated: 2023-07-24. Review status: criteria provided, single submitter. Criteria: ACMG Guidelines, 2015. Collection method: research. Allele origin: germline. Affected: yes. Observed: 1 variant allele.
Comment: Clinical significance based on ACMG v2.0

This variant was classified as Pathogenic based on ACMG criteria: PVS1, PM2, PS4, PP5.

GeneDx
Classification: Pathogenic. Last evaluated: 2020-01-20. Review status: criteria provided, single submitter. Criteria: GeneDx Variant Classification Process June 2021. Collection method: clinical testing. Allele origin: germline. Affected: yes.
Comment: Frameshift variant predicted to result in protein truncation or nonsense mediated decay in a gene for which loss-of-function is a known mechanism of disease; Observed with a second pathogenic variant in a patient with retinitis pigmentosa in published literature (Carss et al., 2017), although the phase of these two variants was not confirmed; This variant is associated with the following publications: (PMID: 32581362, 28041643)

Institute of Human Genetics, Univ. Regensburg, Univ. Regensburg
Classification: Pathogenic for Retinal dystrophy. Last evaluated: 2020-01-01. Review status: criteria provided, single submitter. Criteria: ACMG Guidelines, 2015. Collection method: clinical testing. Allele origin: germline. Affected: yes.

Clinical Genetics Laboratory, University Hospital Schleswig-Holstein
Classification: Pathogenic for Retinal dystrophy with or without macular staphyloma; Axial spondylometaphyseal dysplasia. Last evaluated: 2024-03-05. Review status: no assertion criteria provided. Collection method: clinical testing. Allele origin: germline. Affected: yes. Not counted in ClinVar's aggregate classification.

NIHR Bioresource Rare Diseases, University of Cambridge
Classification: Likely pathogenic for Retinitis pigmentosa. Last evaluated: 2015-01-01. Review status: no assertion criteria provided. Collection method: research. Allele origin: unknown. Affected: yes. Observed: 1 variant allele. Not counted in ClinVar's aggregate classification.

NIHR Bioresource Rare Diseases, University of Cambridge
Classification: Likely pathogenic for Retinal dystrophy. Last evaluated: 2015-01-01. Review status: no assertion criteria provided. Collection method: research. Allele origin: unknown. Affected: yes. Observed: 1 variant allele. Not counted in ClinVar's aggregate classification.

Literature cited by the submitters: PubMed 23105016 (cited by Labcorp Genetics (formerly Invitae), Labcorp); PubMed 26167768 (cited by Labcorp Genetics (formerly Invitae), Labcorp); PubMed 28041643 (cited by 3 submitters); PubMed 36909829 (cited by Ophthalmic Genetics Group, Institute of Molecular and Clinical Ophthalmology Basel); PubMed 31964843 (cited by Institute of Human Genetics, Univ. Regensburg, Univ. Regensburg); PubMed 32581362 (cited by Institute of Human Genetics, Univ. Regensburg, Univ. Regensburg).

NM_004928.3(CFAP410):c.33_34insAGCTGCACAGCGTGCA (p.Ala12fs)

Genes: CFAP410 (cilia and flagella associated protein 410; minus strand), LOC130066823 (ATAC-STARR-seq lymphoblastoid silent region 13383; plus strand). Cytogenetic location: 21q22.3.
Variant type: Insertion.
Coding change: c.33_34insAGCTGCACAGCGTGCA on transcript NM_004928.3 (MANE Select); coding-DNA positions 33 to 34, AGCTGCACAGCGTGCA inserted.
Protein change: p.Ala12fs; shifts the reading frame from alanine 12.
Molecular consequence: frameshift variant.
Genome position: GRCh38 VCF-style: chr21-44339161-C-CTGCACGCTGTGCAGCT. GRCh37 (hg19) VCF-style: chr21-45759044-C-CTGCACGCTGTGCAGCT.
Other names: NP_004919.1:p.(Ala12SerfsTer60); c.33_34insAGCTGCACAGCGTGCA, p.Ala12fs (NM_001271440.2, NM_001271441.2); short protein forms A12fs.
Identifiers: ClinVar variation 438159 (VCV000438159.54), dbSNP rs748531024, ClinGen allele CA10053919.